The following is an entry in ClinVar:

NM_014712.3(SETD1A):c.-15-3C>G

Gene: SETD1A (SET domain containing 1A, histone lysine methyltransferase; plus strand). Cytogenetic location: 16p11.2.
Variant type: single nucleotide variant.
Coding change: c.-15-3C>G on transcript NM_014712.3 (MANE Select); 3 bases into the intron before 15 bases upstream of the start codon, C replaced by G.
Molecular consequence: intron variant.
Genome position (GRCh38, 1-based): chr16:30,958,714, C>G. VCF-style: chr16-30958714-C-G. GRCh37 (hg19) VCF-style: chr16-30970035-C-G.
Identifiers: ClinVar variation 4292569 (VCV004292569.1).

ClinVar aggregate classification (germline): Uncertain significance (1 of 4 stars; one submission).

Conditions:
Neurodevelopmental disorder with speech impairment and dysmorphic facies. Identifiers: MedGen C5436699, MONDO:0033630, OMIM 619056.

Submission:

3billion
Classification: Uncertain significance for Neurodevelopmental disorder with speech impairment and dysmorphic facies. Last evaluated: 2025-01-07. Review status: criteria provided, single submitter. Criteria: ACMG Guidelines, 2015. Collection method: clinical testing. Allele origin: germline. Affected: yes.
Comment: The variant is not observed in the gnomAD v4.1.0 dataset. Predicted Consequence/Location: Intron variant In silico tools predict the variant to alter splicing and produce an abnormal transcript [SpliceAI: 0.97 (>=0.2, moderate evidence for spliceogenicity)]. Therefore, this variant is classified as VUS according to the recommendation of ACMG/AMP guideline.